The following is an entry in ClinVar:

ClinVar aggregate classification (germline): Uncertain significance (1 of 4 stars; one submission).

Allele frequency attached by ClinVar (database versions not stated): ExAC 0.00002.
gnomAD v4.1: 1 of 1,614,150 alleles (0.000062%); no homozygotes.

Submission:

Labcorp Genetics (formerly Invitae), Labcorp
Classification: Uncertain significance. Last evaluated: 2022-03-14. Review status: criteria provided, single submitter. Criteria: Invitae Variant Classification Sherloc (09022015). Collection method: clinical testing. Allele origin: germline.
Comment: Algorithms developed to predict the effect of missense changes on protein structure and function (SIFT, PolyPhen-2, Align-GVGD) all suggest that this variant is likely to be tolerated. This variant has not been reported in the literature in individuals affected with SRCAP-related conditions. This variant is present in population databases (rs142637611, gnomAD 0.002%). This sequence change replaces glutamine, which is neutral and polar, with arginine, which is basic and polar, at codon 1708 of the SRCAP protein (p.Gln1708Arg). In summary, the available evidence is currently insufficient to determine the role of this variant in disease. Therefore, it has been classified as a Variant of Uncertain Significance.

NM_006662.3(SRCAP):c.5123A>G (p.Gln1708Arg)

Gene: SRCAP (Snf2 related CREBBP activator protein; plus strand). Cytogenetic location: 16p11.2.
Variant type: single nucleotide variant.
Coding change: c.5123A>G on transcript NM_006662.3 (MANE Select); coding-DNA position 5123, A replaced by G.
Protein change: p.Gln1708Arg; replaces glutamine 1708 with arginine.
Molecular consequence: missense variant.
Genome position (GRCh38, 1-based): chr16:30,724,547, A>G. VCF-style: chr16-30724547-A-G. GRCh37 (hg19) VCF-style: chr16-30735868-A-G.
Other names: short protein forms Q1708R.
Identifiers: ClinVar variation 1391010 (VCV001391010.6), dbSNP rs142637611, ClinGen allele CA8011905.
Genomic context (GRCh38, chr16:30,724,547, plus strand): 5'-CACCCACTCTTGGAGGCTCATCTCCATCTCAGACACTCTCTTTGGGAACGGGGAACCCCC[A>G]GGGACCCTTTCCAACTCAGACATTGTCATTAACTCCAGCATCATCCCTGGTACCAACTCC-3'
Protein context (NP_006653.2, residues 1698-1718): QTLSLGTGNP[Gln1708Arg]GPFPTQTLSL